The following is an entry in ClinVar:

ClinVar aggregate classification (germline): Conflicting classifications of pathogenicity. Review status: criteria provided, conflicting classifications (1 of 4 stars). 3 submissions from 3 submitters: Likely pathogenic (2); Uncertain significance (1). Last evaluated 2026-05-29.

Conditions:
Autosomal recessive congenital ichthyosis 1 (LI1). Also called: COLLODION FETUS; DESQUAMATION OF NEWBORN; ICHTHYOSIS, CONGENITAL, AUTOSOMAL RECESSIVE 1, WITH BATHING SUIT DISTRIBUTION; ICHTHYOSIS, CONGENITAL, AUTOSOMAL RECESSIVE 1, WITH OR WITHOUT BATHING SUIT DISTRIBUTION; ICHTHYOSIS CONGENITA; ICHTHYOSIS CONGENITA II. Identifiers: MedGen C4551630, MONDO:0009441, OMIM 242300.

Allele frequency attached by ClinVar (database versions not stated): TOPMed below 0.00001; ExAC 0.00001.

Submissions (3):

Myriad Genetics, Inc.
Classification: Uncertain significance for Autosomal recessive congenital ichthyosis 1. Last evaluated: 2026-05-29. Review status: criteria provided, single submitter. Criteria: Myriad Autosomal Dominant, Autosomal Recessive and X-Linked Classification Criteria (2023). Collection method: clinical testing. Allele origin: unknown.
Comment: NM_000359.2(TGM1):c.1586C>T(T529I) is a missense variant classified as a variant of uncertain significance in the context of TGM1-related autosomal recessive congenital ichthyosis. T529I has been observed in cases with relevant disease (PMID: 30578701, 25154629, Ying_2009_(Abstract)). Relevant functional assessments of this variant are not available in the literature. T529I has been observed in referenced population frequency databases. In summary, there is insufficient evidence to classify NM_000359.2(TGM1):c.1586C>T(T529I) as pathogenic or benign. Please note: this variant was assessed in the context of healthy population screening.

Labcorp Genetics (formerly Invitae), Labcorp
Classification: Likely pathogenic. Last evaluated: 2025-12-21. Review status: criteria provided, single submitter. Criteria: Invitae Variant Classification Sherloc (09022015). Collection method: clinical testing. Allele origin: germline.
Comment: This sequence change replaces threonine, which is neutral and polar, with isoleucine, which is neutral and non-polar, at codon 529 of the TGM1 protein (p.Thr529Ile). This variant is present in population databases (rs761372792, gnomAD 0.006%). This missense change has been observed in individual(s) with congenital ichthyosis (PMID: 25154629). ClinVar contains an entry for this variant (Variation ID: 2736099). Invitae Evidence Modeling of protein sequence and biophysical properties (such as structural, functional, and spatial information, amino acid conservation, physicochemical variation, residue mobility, and thermodynamic stability) indicates that this missense variant is expected to disrupt TGM1 protein function with a positive predictive value of 95%. In summary, the currently available evidence indicates that the variant is pathogenic, but additional data are needed to prove that conclusively. Therefore, this variant has been classified as Likely Pathogenic.

Natera, Inc.
Classification: Likely pathogenic for Autosomal recessive congenital ichthyosis type 1. Last evaluated: 2025-11-05. Review status: criteria provided, single submitter. Criteria: Natera Variant Classification Schema (03/2026). Collection method: clinical testing. Allele origin: germline.
Comment: The c.1586C>T variant in TGM1 is a missense variant predicted to cause substitution of threonine to isoleucine at amino acid 529. This variant is rare in the general population with a frequency below the threshold expected for the associated phenotype(s). This variant has been observed in one or more individuals affected with the associated recessive disease, as either homozygous or compound heterozygous with a second variant (PMID: 25154629, 30578701). This variant has been identified in one or more affected individual with a phenotype highly consistent with the associated gene (PMID: 30578701). Computational prediction algorithms indicate this variant is likely to affect gene or protein function. Given the available evidence, this variant is classified as Likely Pathogenic.

Literature cited by the submitters: PubMed 25154629 (cited by Labcorp Genetics (formerly Invitae), Labcorp and Natera, Inc.); PubMed 30578701 (cited by Natera, Inc.).

NM_000359.3(TGM1):c.1586C>T (p.Thr529Ile)

Gene: TGM1 (transglutaminase 1; minus strand). Cytogenetic location: 14q12.
Variant type: single nucleotide variant.
Coding change: c.1586C>T on transcript NM_000359.3 (MANE Select); coding-DNA position 1586, C replaced by T.
Protein change: p.Thr529Ile; replaces threonine 529 with isoleucine.
Molecular consequence: missense variant.
Genome position (GRCh38, 1-based): chr14:24,255,423, G>A on the plus strand (C>T on the coding strand, the complement: TGM1 is on the minus strand). VCF-style: chr14-24255423-G-A. GRCh37 (hg19) VCF-style: chr14-24724629-G-A.
Other names: c.1586C>T (NM_000359.2); short protein forms T529I.
Identifiers: ClinVar variation 2736099 (VCV002736099.5), dbSNP rs761372792, ClinGen allele CA7131047.
Genomic context (GRCh38, chr14:24,255,423, plus strand): 5'-CCTTCTGGGTGCTTATAGAGGTAGGTGATGTCCTCCCGCATGTTGGAGCTGATGGCCTTT[G>A]TGACAATGAGTGTGCCGATGGCCTTCTCCTCCACATAAACAATCTTGAAGCTGCCATCAT-3'
Protein context (NP_000350.1, residues 519-539): EEKAIGTLIV[Thr529Ile]KAISSNMRED